The following is an entry in ClinVar:

NM_001754.5(RUNX1):c.590T>C (p.Val197Ala)

Genes: RUNX1 (RUNX family transcription factor 1; minus strand), RUNX1-AS1 (RUNX1 antisense RNA 1; plus strand). Cytogenetic location: 21q22.12.
Variant type: single nucleotide variant.
Coding change: c.590T>C on transcript NM_001754.5 (MANE Select); coding-DNA position 590, T replaced by C.
Protein change: p.Val197Ala; replaces valine 197 with alanine.
Molecular consequence: missense variant.
Genome position (GRCh38, 1-based): chr21:34,859,497, A>G on the plus strand (T>C on the coding strand, the complement: RUNX1 is on the minus strand). VCF-style: chr21-34859497-A-G. GRCh37 (hg19) VCF-style: chr21-36231794-A-G.
Other names: NM_001754.5(RUNX1):c.590T>C; p.Val197Ala; c.509T>C, p.Val170Ala (NM_001001890.3, NM_001122607.2); short protein forms V170A, V197A.
Identifiers: ClinVar variation 1721570 (VCV001721570.8), dbSNP rs2146234882, ClinGen allele CA410207979.
Genomic context (GRCh38, chr21:34,859,497, plus strand): 5'-CCTGGAGGGTGTACCAGCCCCAAGTGGATGCACTTACTTCGAGGTTCTCGGGGCCCATCC[A>G]CTGTGATTTTGATGGCTCTGTGGTAGGTGGCGACTTGCGGTGGGTTTGTGAAGACAGTGA-3'
Protein context (NP_001745.2, residues 187-207): ATYHRAIKIT[Val197Ala]DGPREPRRHR

ClinVar aggregate classification (germline): Uncertain significance. Review status: reviewed by expert panel (3 of 4 stars). 2 submissions from 2 submitters: Uncertain significance (1). 1 of the submissions does not count toward it. Last evaluated 2025-05-02.

Conditions:
Hereditary thrombocytopenia and hematological cancer predisposition syndrome associated with RUNX1. Also called: PLATELET DISORDER, ASPIRIN-LIKE; RUNX1 Familial Platelet Disorder with Associated Myeloid Malignancies; Familial Platelet Disorder with Propensity to Acute Myelogenous Leukemia; Familial thrombocytopenia with propensity to acute myelogenous leukemia. Identifiers: Orphanet 71290, MedGen C1832388, MeSH C563324, MONDO:0100083, OMIM 601399.
Hereditary thrombocytopenia and hematologic cancer predisposition syndrome. Identifiers: Orphanet 71290, MedGen CN281654, MONDO:0011071.

Submissions (2):

ClinGen Myeloid Malignancy Variant Curation Expert Panel
Classification: Uncertain significance for Hereditary thrombocytopenia and hematologic cancer predisposition syndrome. Last evaluated: 2025-05-02. Review status: reviewed by expert panel. Criteria: ClinGen MyeloMalig ACMG Specifications v2. Collection method: curation. Allele origin: germline. Inheritance: Autosomal dominant inheritance.
Comment: NM_001754.5(RUNX1):c.590T>C (p.Val197Ala) is a missense variant. This variant is completely absent from all population databases with at least 20x coverage for RUNX1 in gnomAD v2.1.1 and v3.1.2 (PM2_supporting). This variant resides within a region, 89-204, of RUNX1 that is defined as a critical functional domain by the ClinGen MMVCEP (PMID 31648317) (PM1_Supporting). This missense variant has a REVEL score ≥ 0.88 (0.953). In summary, the clinical significance of this variant is uncertain. ACMG/AMP criteria applied, as specified by the Myeloid Malignancy Variant Curation Expert Panel for RUNX1: PM1_supporting, PM2_supporting, PP3.

Labcorp Genetics (formerly Invitae), Labcorp
Classification: Uncertain significance for Hereditary thrombocytopenia and hematological cancer predisposition syndrome associated with RUNX1. Last evaluated: 2022-10-13. Review status: criteria provided, single submitter. Criteria: Invitae Variant Classification Sherloc (09022015). Collection method: clinical testing. Allele origin: germline. Not counted in ClinVar's aggregate classification.
Comment: In summary, the available evidence is currently insufficient to determine the role of this variant in disease. Therefore, it has been classified as a Variant of Uncertain Significance. Advanced modeling of protein sequence and biophysical properties (such as structural, functional, and spatial information, amino acid conservation, physicochemical variation, residue mobility, and thermodynamic stability) has been performed at Invitae for this missense variant, however the output from this modeling did not meet the statistical confidence thresholds required to predict the impact of this variant on RUNX1 protein function. This variant has not been reported in the literature in individuals affected with RUNX1-related conditions. This variant is not present in population databases (gnomAD no frequency). This sequence change replaces valine, which is neutral and non-polar, with alanine, which is neutral and non-polar, at codon 197 of the RUNX1 protein (p.Val197Ala).